The following is an entry in ClinVar:

ClinVar aggregate classification (germline): Likely benign (0 of 4 stars; one submission).

Conditions:
CRB2-related disorder. Also called: CRB2-related condition; CRB2-related disorders.

Submission:

PreventionGenetics, part of Exact Sciences
Classification: Likely benign for CRB2-related condition. Last evaluated: 2022-09-06. Review status: no assertion criteria provided. Collection method: clinical testing. Allele origin: germline.
Comment: This variant is classified as likely benign based on ACMG/AMP sequence variant interpretation guidelines (Richards et al. 2015 PMID: 25741868, with internal and published modifications).

NM_173689.7(CRB2):c.2907C>T (p.Thr969=)

Gene: CRB2 (crumbs cell polarity complex component 2; plus strand). Cytogenetic location: 9q33.3.
Variant type: single nucleotide variant.
Coding change: c.2907C>T on transcript NM_173689.7 (MANE Select); coding-DNA position 2907, C replaced by T.
Protein change: p.Thr969=; no amino-acid change (threonine 969 retained).
Molecular consequence: synonymous variant. On other transcripts: non-coding transcript variant (1).
Genome position (GRCh38, 1-based): chr9:123,373,438, C>T. VCF-style: chr9-123373438-C-T. GRCh37 (hg19) VCF-style: chr9-126135717-C-T.
Identifiers: ClinVar variation 3061087 (VCV003061087.2), dbSNP rs1458103078, ClinGen allele CA467206459.